The following is an entry in ClinVar:

NM_018249.6(CDK5RAP2):c.5041+154T>C

Gene: CDK5RAP2 (CDK5 regulatory subunit associated protein 2; minus strand). Cytogenetic location: 9q33.2.
Variant type: single nucleotide variant.
Coding change: c.5041+154T>C on transcript NM_018249.6 (MANE Select); 154 bases into the intron after coding-DNA position 5041, T replaced by C.
Molecular consequence: intron variant.
Genome position (GRCh38, 1-based): chr9:120,403,882, A>G on the plus strand (T>C on the coding strand, the complement: CDK5RAP2 is on the minus strand). VCF-style: chr9-120403882-A-G. GRCh37 (hg19) VCF-style: chr9-123166160-A-G.
Other names: c.4351+154T>C (NM_001272039.2); c.4804+154T>C (NM_001011649.3).
Identifiers: ClinVar variation 678320 (VCV000678320.2), dbSNP rs2297453, ClinGen allele CA15612641.

ClinVar aggregate classification (germline): Benign. Review status: criteria provided, multiple submitters, no conflicts (2 of 4 stars). 2 submissions from 2 submitters: Benign (2). Last evaluated 2018-06-16.

Allele frequency attached by ClinVar (database versions not stated): 1000 Genomes Project 0.68770; 1000 Genomes Project 30x 0.69066; gnomAD 0.70194 and 0.70211; TOPMed 0.70359.
gnomAD v4.1: 106,837 of 152,090 alleles (70%); highest among the groups gnomAD compares: Non-Finnish European, 73%; 37,775 homozygotes.

Submissions (2):

GeneDx
Classification: Benign. Last evaluated: 2018-06-16. Review status: criteria provided, single submitter. Criteria: GeneDx Variant Classification (06012015). Collection method: clinical testing. Allele origin: germline. Affected: yes.
Comment: This variant is considered likely benign or benign based on one or more of the following criteria: it is a conservative change, it occurs at a poorly conserved position in the protein, it is predicted to be benign by multiple in silico algorithms, and/or has population frequency not consistent with disease.

Breakthrough Genomics
Classification: Benign. Review status: criteria provided, single submitter. Criteria: ACMG Guidelines, 2015. Collection method: not provided. Allele origin: germline. Inheritance: Autosomal recessive inheritance. Affected: yes.